The following is an entry in ClinVar:

NM_017612.5(ZCCHC8):c.139G>T (p.Ala47Ser)

Gene: ZCCHC8 (zinc finger CCHC-type containing 8; minus strand). Cytogenetic location: 12q24.31.
Variant type: single nucleotide variant.
Coding change: c.139G>T on transcript NM_017612.5 (MANE Select); coding-DNA position 139, G replaced by T.
Protein change: p.Ala47Ser; replaces alanine 47 with serine.
Molecular consequence: missense variant. On other transcripts: 5 prime UTR variant (3).
Genome position (GRCh38, 1-based): chr12:122,500,702, C>A on the plus strand (G>T on the coding strand, the complement: ZCCHC8 is on the minus strand). VCF-style: chr12-122500702-C-A. GRCh37 (hg19) VCF-style: chr12-122985249-C-A.
Other names: c.139G>T, p.Ala47Ser (NM_001350935.2); c.-785G>T (NM_001350936.2); c.-406G>T (NM_001350937.2); c.-300G>T (NM_001350938.2); c.139G>T (NM_017612.3); short protein forms A47S.
Identifiers: ClinVar variation 1468515 (VCV001468515.9), dbSNP rs769270296, ClinGen allele CA6846527.
Genomic context (GRCh38, chr12:122,500,702, plus strand): 5'-TCTCGGCGCGGAGCTGCTCGATGGTCTCCTCGCACTGCCGAAGCCGCTCCCGTAGCTCCG[C>A]GTCGCCGACCCCATTTTCGTCCTCCTCGTCGCCGTCGTCGTCCTTGAAGCGAGTGTGAAC-3'
Protein context (NP_060082.2, residues 37-57): DEEDENGVGD[Ala47Ser]ELRERLRQCE

ClinVar aggregate classification (germline): Uncertain significance. Review status: criteria provided, multiple submitters, no conflicts (2 of 4 stars). 2 submissions from 2 submitters: Uncertain significance (2). Last evaluated 2025-06-19.

Allele frequency attached by ClinVar (database versions not stated): gnomAD exomes 0.00001.

Submissions (2):

Ambry Genetics
Classification: Uncertain significance. Last evaluated: 2025-06-19. Review status: criteria provided, single submitter. Criteria: Ambry Variant Classification Scheme 2023. Collection method: clinical testing. Allele origin: germline.

Labcorp Genetics (formerly Invitae), Labcorp
Classification: Uncertain significance. Last evaluated: 2020-11-10. Review status: criteria provided, single submitter. Criteria: Invitae Variant Classification Sherloc (09022015). Collection method: clinical testing. Allele origin: germline.
Comment: This sequence change replaces alanine with serine at codon 47 of the ZCCHC8 protein (p.Ala47Ser). The alanine residue is moderately conserved and there is a moderate physicochemical difference between alanine and serine. The frequency data for this variant in the population databases is considered unreliable, as metrics indicate poor data quality at this position in the ExAC database. This variant has not been reported in the literature in individuals with ZCCHC8-related conditions. Algorithms developed to predict the effect of missense changes on protein structure and function (SIFT, PolyPhen-2, Align-GVGD) all suggest that this variant is likely to be tolerated, but these predictions have not been confirmed by published functional studies and their clinical significance is uncertain. In summary, the available evidence is currently insufficient to determine the role of this variant in disease. Therefore, it has been classified as a Variant of Uncertain Significance.